The following is an entry in ClinVar:

NM_005739.4(RASGRP1):c.1981T>G (p.Ser661Ala)

Gene: RASGRP1 (RAS guanyl releasing protein 1; minus strand). Cytogenetic location: 15q14.
Variant type: single nucleotide variant.
Coding change: c.1981T>G on transcript NM_005739.4 (MANE Select); coding-DNA position 1981, T replaced by G.
Protein change: p.Ser661Ala; replaces serine 661 with alanine.
Molecular consequence: missense variant. On other transcripts: intron variant (1).
Genome position (GRCh38, 1-based): chr15:38,494,660, A>C on the plus strand (T>G on the coding strand, the complement: RASGRP1 is on the minus strand). VCF-style: chr15-38494660-A-C. GRCh37 (hg19) VCF-style: chr15-38786861-A-C.
Other names: c.1876T>G, p.Ser626Ala (NM_001128602.2); c.1769-3972T>G (NM_001306086.2); short protein forms S626A, S661A.
Identifiers: ClinVar variation 1510321 (VCV001510321.6), dbSNP rs201076575, ClinGen allele CA7470699.

ClinVar aggregate classification (germline): Uncertain significance. Review status: criteria provided, multiple submitters, no conflicts (2 of 4 stars). 3 submissions from 3 submitters: Uncertain significance (3). Last evaluated 2026-01-26.

Allele frequency attached by ClinVar (database versions not stated): gnomAD exomes 0.00020 and 0.00054; TOPMed 0.00027; gnomAD 0.00030 and 0.00031; ExAC 0.00035.
gnomAD v4.1: 796 of 1,548,518 alleles (0.051%); highest among the groups gnomAD compares: Non-Finnish European, 0.064%; no homozygotes.

Submissions (3):

Labcorp Genetics (formerly Invitae), Labcorp
Classification: Uncertain significance. Last evaluated: 2026-01-26. Review status: criteria provided, single submitter. Criteria: Invitae Variant Classification Sherloc (09022015). Collection method: clinical testing. Allele origin: germline.
Comment: This sequence change replaces serine, which is neutral and polar, with alanine, which is neutral and non-polar, at codon 661 of the RASGRP1 protein (p.Ser661Ala). This variant is present in population databases (rs201076575, gnomAD 0.03%). This variant has not been reported in the literature in individuals affected with RASGRP1-related conditions. ClinVar contains an entry for this variant (Variation ID: 1510321). Invitae Evidence Modeling of protein sequence and biophysical properties (such as structural, functional, and spatial information, amino acid conservation, physicochemical variation, residue mobility, and thermodynamic stability) indicates that this missense variant is not expected to disrupt RASGRP1 protein function with a negative predictive value of 80%. In summary, the available evidence is currently insufficient to determine the role of this variant in disease. Therefore, it has been classified as a Variant of Uncertain Significance.

Blueprint Genetics
Classification: Uncertain significance. Last evaluated: 2024-11-07. Review status: criteria provided, single submitter. Criteria: ACMG Guidelines, 2015. Collection method: clinical testing. Allele origin: germline.

Breakthrough Genomics
Classification: Uncertain significance. Review status: criteria provided, single submitter. Criteria: ACMG Guidelines, 2015. Collection method: not provided. Allele origin: germline. Inheritance: Autosomal recessive inheritance. Affected: yes.